The following is an entry in ClinVar:

ClinVar aggregate classification (germline): Uncertain significance. Review status: criteria provided, multiple submitters, no conflicts (2 of 4 stars). 2 submissions from 2 submitters: Uncertain significance (2). Last evaluated 2019-10-29.

Conditions:
Hermansky-Pudlak syndrome 2 (HPS2). Also called: Platelet defects and oculocutaneous albinism. Identifiers: Orphanet 183678, Orphanet 79430, MedGen C1842362, MONDO:0011997, OMIM 608233.
Intellectual disability. Also called: intellectual disabilities; Intellectual functioning disability; Intellectual developmental disorder. Identifiers: MedGen C3714756, MeSH D008607, MONDO:0001071, HP:0001249.

Allele frequency attached by ClinVar (database versions not stated): gnomAD 0.00002 and below 0.00001; gnomAD exomes 0.00002; ExAC 0.00002.
gnomAD v4.1: 17 of 1,613,918 alleles (0.0011%); highest among the groups gnomAD compares: South Asian, 0.019%; 1 homozygote.

Submissions (2):

Labcorp Genetics (formerly Invitae), Labcorp
Classification: Uncertain significance for Hermansky-Pudlak syndrome 2. Last evaluated: 2019-10-29. Review status: criteria provided, single submitter. Criteria: Invitae Variant Classification Sherloc (09022015). Collection method: clinical testing. Allele origin: germline.
Comment: This sequence change replaces tyrosine with cysteine at codon 676 of the AP3B1 protein (p.Tyr676Cys). The tyrosine residue is moderately conserved and there is a large physicochemical difference between tyrosine and cysteine. This variant is present in population databases (rs759438615, ExAC 0.01%). This variant has not been reported in the literature in individuals with AP3B1-related conditions. Algorithms developed to predict the effect of missense changes on protein structure and function (SIFT, PolyPhen-2, Align-GVGD) all suggest that this variant is likely to be disruptive, but these predictions have not been confirmed by published functional studies and their clinical significance is uncertain. In summary, the available evidence is currently insufficient to determine the role of this variant in disease. Therefore, it has been classified as a Variant of Uncertain Significance.

Kariminejad - Najmabadi Pathology & Genetics Center
Classification: Uncertain significance for Intellectual disability. Last evaluated: 2018-08-21. Review status: criteria provided, single submitter. Criteria: ACMG Guidelines, 2015. Collection method: clinical testing. Allele origin: germline. Affected: yes.

NM_003664.5(AP3B1):c.2027A>G (p.Tyr676Cys)

Gene: AP3B1 (adaptor related protein complex 3 subunit beta 1; minus strand). Cytogenetic location: 5q14.1.
Variant type: single nucleotide variant.
Coding change: c.2027A>G on transcript NM_003664.5 (MANE Select); coding-DNA position 2027, A replaced by G.
Protein change: p.Tyr676Cys; replaces tyrosine 676 with cysteine.
Molecular consequence: missense variant.
Genome position (GRCh38, 1-based): chr5:78,116,176, T>C on the plus strand (A>G on the coding strand, the complement: AP3B1 is on the minus strand). VCF-style: chr5-78116176-T-C. GRCh37 (hg19) VCF-style: chr5-77412000-T-C.
Other names: c.1880A>G, p.Tyr627Cys (NM_001271769.2); short protein forms Y627C, Y676C.
Identifiers: ClinVar variation 694653 (VCV000694653.11), dbSNP rs759438615, ClinGen allele CA3316888.